The following is an entry in ClinVar:

NC_000018.9:g.(?_56338696)_(56367824_56376609)dup

Gene: MALT1 (MALT1 paracaspase; plus strand). Cytogenetic location: 18q21.32.
Variant type: Duplication.
Identifiers: ClinVar variation 4848085 (VCV004848085.1).

ClinVar aggregate classification (germline): Uncertain significance (1 of 4 stars; one submission).

Submission:

Women's Health and Genetics/Laboratory Corporation of America, LabCorp
Classification: Uncertain significance. Last evaluated: 2026-02-03. Review status: criteria provided, single submitter. Criteria: LabCorp Variant Classification Summary - May 2015. Collection method: clinical testing. Allele origin: germline.
Comment: Variant summary: The variant involves the duplication of exons 1-4 in the MALT1 gene. A presumed nomenclature of c.(?_-180)_(649+1_650-1)dup has been designated for the purposes of this classification. The exact breakpoint at the 5' end of this variant is unknown, therefore this duplication may extend upstream of the annotated region of this gene. It is predicted to duplicate a segment including the initiation codon, therefore its impact on the encoded protein is unknown. The variant was absent in 21694 control chromosomes. The available data on variant occurrences in the general population are insufficient to allow any conclusion about variant significance. To our knowledge, no occurrence of c.(?_-180)_(649+1_650-1)dup in individuals affected with MALT1-related conditions and no experimental evidence demonstrating its impact on protein function have been reported. No submitters have cited clinical-significance assessments for this variant to ClinVar. Based on the evidence outlined above, the variant was classified as uncertain significance.